The following is an entry in ClinVar:

ClinVar aggregate classification (germline): Uncertain significance. Review status: criteria provided, multiple submitters, no conflicts (2 of 4 stars). 2 submissions from 2 submitters: Uncertain significance (2). Last evaluated 2023-12-27.

Conditions:
Inborn genetic diseases. Identifiers: MedGen C0950123, MeSH D030342.

Allele frequency attached by ClinVar (database versions not stated): gnomAD exomes 0.00002; gnomAD 0.00007; TOPMed 0.00009; ESP Exome Variant Server 0.00012.
gnomAD v4.1: 37 of 1,612,758 alleles (0.0023%); highest among the groups gnomAD compares: African/African-American, 0.019%; no homozygotes.

Submissions (2):

Ambry Genetics
Classification: Uncertain significance for Inborn genetic diseases. Last evaluated: 2023-12-27. Review status: criteria provided, single submitter. Criteria: Ambry Variant Classification Scheme 2023. Collection method: clinical testing. Allele origin: germline.

Labcorp Genetics (formerly Invitae), Labcorp
Classification: Uncertain significance. Last evaluated: 2022-04-08. Review status: criteria provided, single submitter. Criteria: Invitae Variant Classification Sherloc (09022015). Collection method: clinical testing. Allele origin: germline.
Comment: This sequence change replaces arginine, which is basic and polar, with histidine, which is basic and polar, at codon 1215 of the SKIV2L protein (p.Arg1215His). This variant is present in population databases (rs146598176, gnomAD 0.009%). This variant has not been reported in the literature in individuals affected with SKIV2L-related conditions. Algorithms developed to predict the effect of missense changes on protein structure and function are either unavailable or do not agree on the potential impact of this missense change (SIFT: "Tolerated"; PolyPhen-2: "Possibly Damaging"; Align-GVGD: "Class C0"). In summary, the available evidence is currently insufficient to determine the role of this variant in disease. Therefore, it has been classified as a Variant of Uncertain Significance.

NM_006929.5(SKIC2):c.3644G>A (p.Arg1215His)

Gene: SKIC2 (SKI2 subunit of superkiller complex; plus strand). Cytogenetic location: 6p21.33.
Variant type: single nucleotide variant.
Coding change: c.3644G>A on transcript NM_006929.5 (MANE Select); coding-DNA position 3644, G replaced by A.
Protein change: p.Arg1215His; replaces arginine 1215 with histidine.
Molecular consequence: missense variant.
Genome position (GRCh38, 1-based): chr6:31,969,618, G>A. VCF-style: chr6-31969618-G-A. GRCh37 (hg19) VCF-style: chr6-31937395-G-A.
Other names: c.3644G>A (NM_006929.4); short protein forms R1215H.
Identifiers: ClinVar variation 1920968 (VCV001920968.3), dbSNP rs146598176, ClinGen allele CA136914739.
Genomic context (GRCh38, chr6:31,969,618, plus strand): 5'-TGGTGGTCCGCTGCATTCAGCGCCTGGCTGAGATGTGTCGCTCACTGCGGGGGGCAGCCC[G>A]CCTGGTAGGAGAGCCTGTGCTGGGTGCCAAGATGGAGACAGCGGCTACCTTGCTACGGCG-3'
Protein context (NP_008860.4, residues 1205-1225): EMCRSLRGAA[Arg1215His]LVGEPVLGAK